The following is an entry in ClinVar:

NM_001145026.2(PTPRQ):c.3048T>A (p.Asp1016Glu)

Gene: PTPRQ (protein tyrosine phosphatase receptor type Q; plus strand). Cytogenetic location: 12q21.31.
Variant type: single nucleotide variant.
Coding change: c.3048T>A on transcript NM_001145026.2 (MANE Select); coding-DNA position 3048, T replaced by A.
Protein change: p.Asp1016Glu; replaces aspartic acid 1016 with glutamic acid.
Molecular consequence: missense variant.
Genome position (GRCh38, 1-based): chr12:80,539,838, T>A. VCF-style: chr12-80539838-T-A. GRCh37 (hg19) VCF-style: chr12-80933617-T-A.
Other names: short protein forms D1016E.
Identifiers: ClinVar variation 3360978 (VCV003360978.1).

ClinVar aggregate classification (germline): Uncertain significance (1 of 4 stars; one submission).

gnomAD v4.1: 5 of 1,548,988 alleles (0.00032%); highest among the groups gnomAD compares: East Asian, 0.012%; no homozygotes.

Submission:

GeneDx
Classification: Uncertain significance. Last evaluated: 2023-07-14. Review status: criteria provided, single submitter. Criteria: GeneDx Variant Classification Process June 2021. Collection method: clinical testing. Allele origin: germline. Affected: yes.
Comment: In silico analysis supports that this missense variant does not alter protein structure/function; Has not been previously published as pathogenic or benign to our knowledge